The following is an entry in ClinVar:

ClinVar aggregate classification (germline): Uncertain significance (1 of 4 stars; one submission).

Conditions:
Cardiovascular phenotype. Identifiers: MedGen CN230736.

Submission:

Ambry Genetics
Classification: Uncertain significance for Cardiovascular phenotype. Last evaluated: 2023-12-02. Review status: criteria provided, single submitter. Criteria: Ambry Variant Classification Scheme 2023. Collection method: clinical testing. Allele origin: germline.
Comment: The p.V1510G variant (also known as c.4529T>G), located in coding exon 23 of the DSP gene, results from a T to G substitution at nucleotide position 4529. The valine at codon 1510 is replaced by glycine, an amino acid with dissimilar properties. This amino acid position is conserved. In addition, this alteration is predicted to be tolerated by in silico analysis. Since supporting evidence is limited at this time, the clinical significance of this alteration remains unclear.

NM_004415.4(DSP):c.4529T>G (p.Val1510Gly)

Gene: DSP (desmoplakin; plus strand). Cytogenetic location: 6p24.3.
Variant type: single nucleotide variant.
Coding change: c.4529T>G on transcript NM_004415.4 (MANE Select); coding-DNA position 4529, T replaced by G.
Protein change: p.Val1510Gly; replaces valine 1510 with glycine.
Molecular consequence: missense variant. On other transcripts: intron variant (2).
Genome position (GRCh38, 1-based): chr6:7,580,719, T>G. VCF-style: chr6-7580719-T-G. GRCh37 (hg19) VCF-style: chr6-7580952-T-G.
Other names: c.4050+479T>G (NM_001319034.2); c.3582+947T>G (NM_001008844.3); short protein forms V1510G.
Identifiers: ClinVar variation 3224235 (VCV003224235.1), dbSNP rs2533929062, ClinGen allele CA362686512.